The following is an entry in ClinVar:

ClinVar aggregate classification (germline): Uncertain significance (1 of 4 stars; one submission).

Conditions:
Emery-Dreifuss muscular dystrophy 5, autosomal dominant (EDMD5). Also called: EMERY-DREIFUSS MUSCULAR DYSTROPHY 5. Identifiers: Orphanet 261, MedGen C2751805, MONDO:0013072, OMIM 612999.

Allele frequency attached by ClinVar (database versions not stated): gnomAD exomes below 0.00001; ExAC 0.00001.
gnomAD v4.1: 2 of 1,613,882 alleles (0.00012%); highest among the groups gnomAD compares: Non-Finnish European, 0.000085%; no homozygotes.

Submission:

Labcorp Genetics (formerly Invitae), Labcorp
Classification: Uncertain significance for Emery-Dreifuss muscular dystrophy 5, autosomal dominant. Last evaluated: 2020-11-17. Review status: criteria provided, single submitter. Criteria: Invitae Variant Classification Sherloc (09022015). Collection method: clinical testing. Allele origin: germline.
Comment: This sequence change replaces lysine with glutamic acid at codon 2676 of the SYNE2 protein (p.Lys2676Glu). The lysine residue is weakly conserved and there is a small physicochemical difference between lysine and glutamic acid. This variant is present in population databases (rs756185609, ExAC 0.002%). This variant has not been reported in the literature in individuals with SYNE2-related conditions. Algorithms developed to predict the effect of missense changes on protein structure and function are either unavailable or do not agree on the potential impact of this missense change (SIFT: "Tolerated"; PolyPhen-2: "Possibly Damaging"; Align-GVGD: "Class C0"). In summary, the available evidence is currently insufficient to determine the role of this variant in disease. Therefore, it has been classified as a Variant of Uncertain Significance.

NM_182914.3(SYNE2):c.8026A>G (p.Lys2676Glu)

Gene: SYNE2 (spectrin repeat containing nuclear envelope protein 2; plus strand). Cytogenetic location: 14q23.2.
Variant type: single nucleotide variant.
Coding change: c.8026A>G on transcript NM_182914.3 (MANE Select); coding-DNA position 8026, A replaced by G.
Protein change: p.Lys2676Glu; replaces lysine 2676 with glutamic acid.
Molecular consequence: missense variant.
Genome position (GRCh38, 1-based): chr14:64,051,939, A>G. VCF-style: chr14-64051939-A-G. GRCh37 (hg19) VCF-style: chr14-64518657-A-G.
Other names: c.8026A>G, p.Lys2676Glu (NM_015180.6); short protein forms K2676E.
Identifiers: ClinVar variation 1390485 (VCV001390485.8), dbSNP rs756185609, ClinGen allele CA7221051.